The following is an entry in ClinVar:

NM_015156.4(RCOR1):c.1339G>A (p.Glu447Lys)

Genes: RCOR1 (REST corepressor 1; plus strand), LOC126862064 (MED14-independent group 3 enhancer GRCh37_chr14:103188411-103189610; plus strand). Cytogenetic location: 14q32.32.
Variant type: single nucleotide variant.
Coding change: c.1339G>A on transcript NM_015156.4 (MANE Select); coding-DNA position 1339, G replaced by A.
Protein change: p.Glu447Lys; replaces glutamic acid 447 with lysine.
Molecular consequence: missense variant.
Genome position (GRCh38, 1-based): chr14:102,722,336, G>A. VCF-style: chr14-102722336-G-A. GRCh37 (hg19) VCF-style: chr14-103188673-G-A.
Other names: short protein forms E447K.
Identifiers: ClinVar variation 3710526 (VCV003710526.2).

ClinVar aggregate classification (germline): Uncertain significance (1 of 4 stars; one submission).

gnomAD v4.1: 112 of 1,614,146 alleles (0.0069%); highest among the groups gnomAD compares: South Asian, 0.12%; 3 homozygotes.

Submission:

Labcorp Genetics (formerly Invitae), Labcorp
Classification: Uncertain significance. Last evaluated: 2025-04-16. Review status: criteria provided, single submitter. Criteria: Invitae Variant Classification Sherloc (09022015). Collection method: clinical testing. Allele origin: germline.
Comment: This sequence change replaces glutamic acid, which is acidic and polar, with lysine, which is basic and polar, at codon 447 of the RCOR1 protein (p.Glu447Lys). This variant is present in population databases (rs559582145, gnomAD 0.09%), and has an allele count higher than expected for a pathogenic variant. This variant has not been reported in the literature in individuals affected with RCOR1-related conditions. ClinVar contains an entry for this variant (Variation ID: 3710526). An algorithm developed to predict the effect of missense changes on protein structure and function (PolyPhen-2) suggests that this variant is likely to be tolerated. In summary, the available evidence is currently insufficient to determine the role of this variant in disease. Therefore, it has been classified as a Variant of Uncertain Significance.